The following is an entry in ClinVar:

NM_004260.4(RECQL4):c.1862A>G (p.Tyr621Cys)

Gene: RECQL4 (RecQ like helicase 4; minus strand). Cytogenetic location: 8q24.3.
Variant type: single nucleotide variant.
Coding change: c.1862A>G on transcript NM_004260.4 (MANE Select); coding-DNA position 1862, A replaced by G.
Protein change: p.Tyr621Cys; replaces tyrosine 621 with cysteine.
Molecular consequence: missense variant. On other transcripts: non-coding transcript variant (3).
Genome position (GRCh38, 1-based): chr8:144,514,205, T>C on the plus strand (A>G on the coding strand, the complement: RECQL4 is on the minus strand). VCF-style: chr8-144514205-T-C. GRCh37 (hg19) VCF-style: chr8-145739589-T-C.
Other names: c.725A>G, p.Tyr242Cys (NM_001413032.1, NM_001413041.1, NM_001413027.1 and 1 more transcripts); c.1730A>G, p.Tyr577Cys (NM_001413033.1); c.791A>G, p.Tyr264Cys (NM_001413034.1, NM_001413035.1, NM_001413038.1 and 6 more transcripts); c.1862A>G, p.Tyr621Cys (NM_001413036.1, NM_001413018.1, NM_001413019.1); c.659A>G, p.Tyr220Cys (NM_001413037.1); c.1832A>G, p.Tyr611Cys (NM_001413039.1); c.1766A>G, p.Tyr589Cys (NM_001413017.1, NM_001413020.1); c.1733A>G, p.Tyr578Cys (NM_001413025.1); and 4 more; short protein forms Y132C, Y220C, Y254C, Y504C, Y589C, Y264C, Y198C, Y242C.
Identifiers: ClinVar variation 5028117 (VCV005028117.1).
Genomic context (GRCh38, chr8:144,514,205, plus strand): 5'-CCATCCCGGCCCTGGCCGCCCACCCCAGTTCACATATGGCTCACCTTGCAGACGCGCAGG[T>C]AGCAGGGCCGGAAGTTGTGGGACCACTGGGAGAGGCAGTGGGCCTCATCAATGCAGGCAA-3'
Protein context (NP_004251.4, residues 611-631): SQWSHNFRPC[Tyr621Cys]LRVCKVLRER

ClinVar aggregate classification (germline): Uncertain significance (1 of 4 stars; one submission).

Conditions:
Inborn genetic diseases. Identifiers: MedGen C0950123, MeSH D030342.

gnomAD v4.1: 1 of 1,612,052 alleles (0.000062%); no homozygotes.

Submission:

Ambry Genetics
Classification: Uncertain significance for Inborn genetic diseases. Last evaluated: 2026-08-31. Review status: criteria provided, single submitter. Criteria: Ambry Variant Classification Scheme 2023. Collection method: clinical testing. Allele origin: germline.
Comment: The p.Y621C variant (also known as c.1862A>G), located in coding exon 11 of the RECQL4 gene, results from an A to G substitution at nucleotide position 1862. The tyrosine at codon 621 is replaced by cysteine, an amino acid with highly dissimilar properties. This amino acid position is conserved. In addition, this alteration is predicted to be deleterious by in silico analysis. Based on the available evidence, the clinical significance of this variant remains unclear.